The following is an entry in ClinVar:

NM_152701.5(ABCA13):c.9315C>T (p.His3105=)

Genes: ABCA13 (ATP binding cassette subfamily A member 13; plus strand), LOC126860028 (P300/CBP strongly-dependent group 1 enhancer GRCh37_chr7:48337872-48339071; plus strand). Cytogenetic location: 7p12.3.
Variant type: single nucleotide variant.
Coding change: c.9315C>T on transcript NM_152701.5 (MANE Select); coding-DNA position 9315, C replaced by T.
Protein change: p.His3105=; no amino-acid change (histidine 3105 retained).
Molecular consequence: synonymous variant.
Genome position (GRCh38, 1-based): chr7:48,298,481, C>T. VCF-style: chr7-48298481-C-T. GRCh37 (hg19) VCF-style: chr7-48338078-C-T.
Identifiers: ClinVar variation 2657483 (VCV002657483.24), dbSNP rs112334236, ClinGen allele CA4257952.

ClinVar aggregate classification (germline): Likely benign (1 of 4 stars; one submission).

Allele frequency attached by ClinVar (database versions not stated): 1000 Genomes Project 30x 0.00078; 1000 Genomes Project 0.00080; TOPMed 0.00187; gnomAD 0.00192; ExAC 0.00200; ESP Exome Variant Server 0.00254; gnomAD exomes 0.00291.
gnomAD v4.1: 4,485 of 1,612,588 alleles (0.28%); highest among the groups gnomAD compares: Non-Finnish European, 0.35%; 8 homozygotes.

Submission:

CeGaT Center for Human Genetics Tuebingen
Classification: Likely benign. Last evaluated: 2026-05-01. Review status: criteria provided, single submitter. Criteria: CeGaT Center For Human Genetics Tuebingen Variant Classification Criteria Version 2. Collection method: clinical testing. Allele origin: germline. Affected: yes. Observed: 3 variant alleles.
Comment: ABCA13: BP4, BP7